The following is an entry in ClinVar:

ClinVar aggregate classification (germline): Uncertain significance. Review status: criteria provided, multiple submitters, no conflicts (2 of 4 stars). 3 submissions from 3 submitters: Uncertain significance (3). Last evaluated 2026-01-14.

Conditions:
Charcot-Marie-Tooth disease axonal type 2P. Also called: CHARCOT-MARIE-TOOTH NEUROPATHY, TYPE 2P; CHARCOT-MARIE-TOOTH DISEASE, AXONAL, TYPE 2G; CMT 2G; Charcot-Marie-Tooth Neuropathy Type 2G. Identifiers: Orphanet 300319, Orphanet 99941, MedGen C3280797, MONDO:0013753, OMIM 614436.
Inborn genetic diseases. Identifiers: MedGen C0950123, MeSH D030342.

Allele frequency attached by ClinVar (database versions not stated): gnomAD 0.00003 and 0.00004; TOPMed 0.00003.
gnomAD v4.1: 53 of 1,613,968 alleles (0.0033%); highest among the groups gnomAD compares: Non-Finnish European, 0.004%; no homozygotes.

Submissions (3):

Ambry Genetics
Classification: Uncertain significance for Inborn genetic diseases. Last evaluated: 2026-01-14. Review status: criteria provided, single submitter. Criteria: Ambry Variant Classification Scheme 2023. Collection method: clinical testing. Allele origin: germline.

Mayo Clinic Laboratories, Mayo Clinic
Classification: Uncertain significance. Last evaluated: 2025-01-14. Review status: criteria provided, single submitter. Criteria: ACMG Guidelines, 2015. Collection method: clinical testing. Allele origin: germline. Observed: 2 variant alleles.
Comment: BP4_moderate

Labcorp Genetics (formerly Invitae), Labcorp
Classification: Uncertain significance for Charcot-Marie-Tooth disease axonal type 2P. Last evaluated: 2023-01-03. Review status: criteria provided, single submitter. Criteria: Invitae Variant Classification Sherloc (09022015). Collection method: clinical testing. Allele origin: germline.
Comment: This sequence change replaces isoleucine, which is neutral and non-polar, with valine, which is neutral and non-polar, at codon 162 of the LRSAM1 protein (p.Ile162Val). In summary, the available evidence is currently insufficient to determine the role of this variant in disease. Therefore, it has been classified as a Variant of Uncertain Significance. Advanced modeling of protein sequence and biophysical properties (such as structural, functional, and spatial information, amino acid conservation, physicochemical variation, residue mobility, and thermodynamic stability) performed at Invitae indicates that this missense variant is not expected to disrupt LRSAM1 protein function. ClinVar contains an entry for this variant (Variation ID: 1450447). This variant has not been reported in the literature in individuals affected with LRSAM1-related conditions. This variant is present in population databases (no rsID available, gnomAD 0.0009%).

NM_001005373.4(LRSAM1):c.484A>G (p.Ile162Val)

Gene: LRSAM1 (leucine rich repeat and sterile alpha motif containing 1; plus strand). Cytogenetic location: 9q33.3.
Variant type: single nucleotide variant.
Coding change: c.484A>G on transcript NM_001005373.4 (MANE Select); coding-DNA position 484, A replaced by G.
Protein change: p.Ile162Val; replaces isoleucine 162 with valine.
Molecular consequence: missense variant. On other transcripts: 5 prime UTR variant (1), non-coding transcript variant (2).
Genome position (GRCh38, 1-based): chr9:127,462,329, A>G. VCF-style: chr9-127462329-A-G. GRCh37 (hg19) VCF-style: chr9-130224608-A-G.
Other names: p.Ile162Val; c.484A>G, p.Ile162Val (NM_001005374.4, NM_001190723.3, NM_001384142.1 and 2 more transcripts); c.-301A>G (NM_001384144.1); short protein forms I162V.
Identifiers: ClinVar variation 1450447 (VCV001450447.13), dbSNP rs1039329590, ClinGen allele CA199846808.